The following is an entry in ClinVar:

ClinVar aggregate classification (germline): Uncertain significance (0 of 4 stars; one submission).

Conditions:
VIL1-related disorder. Also called: VIL1-related condition.

Submission:

PreventionGenetics, part of Exact Sciences
Classification: Uncertain significance for VIL1-related condition. Last evaluated: 2024-05-07. Review status: no assertion criteria provided. Collection method: clinical testing. Allele origin: germline.
Comment: The VIL1 c.2115dupC variant is predicted to result in a frameshift and premature protein termination (p.Thr706Hisfs*16). To our knowledge, this variant has not been reported in the literature or in a large population database, indicating this variant is rare. At this time, the clinical significance of this variant is uncertain due to the absence of conclusive functional and genetic evidence.

NM_007127.3(VIL1):c.2115dup (p.Thr706fs)

Gene: VIL1 (villin 1; plus strand). Cytogenetic location: 2q35.
Variant type: Duplication.
Coding change: c.2115dup on transcript NM_007127.3 (MANE Select); coding-DNA position 2115, one base duplicated (C; older notation c.2115dupC).
Protein change: p.Thr706fs; shifts the reading frame from threonine 706.
Molecular consequence: frameshift variant.
Genome position (GRCh38, 1-based): chr2:218,437,267, C duplicated; the last of 6 consecutive C bases (chr2:218,437,262-218,437,267); duplicating any one gives the same sequence. VCF-style (leftmost placement, unchanged base first): chr2-218437261-G-GC. GRCh37 (hg19) VCF-style: chr2-219301984-G-GC.
Other names: short protein forms T706fs.
Identifiers: ClinVar variation 3349010 (VCV003349010.1).